The following is an entry in ClinVar:

ClinVar aggregate classification (germline): Uncertain significance (0 of 4 stars; one submission).

Conditions:
VPS13B-related disorder. Also called: VPS13B-related condition.

Submission:

PreventionGenetics, part of Exact Sciences
Classification: Uncertain significance for VPS13B-related condition. Last evaluated: 2024-08-05. Review status: no assertion criteria provided. Collection method: clinical testing. Allele origin: germline.
Comment: The VPS13B c.4300A>G variant is predicted to result in the amino acid substitution p.Lys1434Glu. To our knowledge, this variant has not been reported in the literature or in a large population database, indicating this variant is rare. At this time, the clinical significance of this variant is uncertain due to the absence of conclusive functional and genetic evidence.

NM_152564.5(VPS13B):c.4300A>G (p.Lys1434Glu)

Gene: VPS13B (vacuolar protein sorting 13 homolog B; plus strand). Cytogenetic location: 8q22.2.
Variant type: single nucleotide variant.
Coding change: c.4300A>G on transcript NM_152564.5 (MANE Select); coding-DNA position 4300, A replaced by G.
Protein change: p.Lys1434Glu; replaces lysine 1434 with glutamic acid.
Molecular consequence: missense variant.
Genome position (GRCh38, 1-based): chr8:99,511,179, A>G. VCF-style: chr8-99511179-A-G. GRCh37 (hg19) VCF-style: chr8-100523407-A-G.
Other names: c.4375A>G, p.Lys1459Glu (NM_017890.5); short protein forms K1434E, K1459E.
Identifiers: ClinVar variation 3344090 (VCV003344090.1).